The following is an entry in ClinVar:

NM_000088.4(COL1A1):c.992C>A (p.Ala331Asp)

Gene: COL1A1 (collagen type I alpha 1 chain; minus strand). Cytogenetic location: 17q21.33.
Variant type: single nucleotide variant.
Coding change: c.992C>A on transcript NM_000088.4 (MANE Select); coding-DNA position 992, C replaced by A.
Protein change: p.Ala331Asp; replaces alanine 331 with aspartic acid.
Molecular consequence: missense variant.
Genome position (GRCh38, 1-based): chr17:50,196,165, G>T on the plus strand (C>A on the coding strand, the complement: COL1A1 is on the minus strand). VCF-style: chr17-50196165-G-T. GRCh37 (hg19) VCF-style: chr17-48273526-G-T.
Other names: short protein forms A331D.
Identifiers: ClinVar variation 1441175 (VCV001441175.8), dbSNP rs762653813, ClinGen allele CA8645455.
Genomic context (GRCh38, chr17:50,196,165, plus strand): 5'-CTGAGACCCCTCCCCACTCCCAGGCCCTGAGGCCTACAGGCCACACTCACAGGGGGCCCG[G>T]CAGCACCAGTAGCACCATCATTTCCACGAGCACCCTGCAGGAGAGAGGGGAAGCCCCGTT-3'
Protein context (NP_000079.2, residues 321-341): ARGNDGATGA[Ala331Asp]GPPGPTGPAG

ClinVar aggregate classification (germline): Uncertain significance (1 of 4 stars; one submission).

Conditions:
Osteogenesis imperfecta type I (OI1). Also called: Classic Non-deforming Osteogenesis Imperfecta with Blue Sclerae; Lobstein's Disease; Lobstein disease; OI, TYPE I; OSTEOGENESIS IMPERFECTA TARDA; OSTEOGENESIS IMPERFECTA WITH BLUE SCLERAE. Identifiers: Orphanet 216796, Orphanet 666, MedGen C0023931, MONDO:0008146, OMIM 166200. Disease mechanism: loss of function.

Allele frequency attached by ClinVar (database versions not stated): ExAC 0.00001.
gnomAD v4.1: 14 of 1,613,964 alleles (0.00087%); highest among the groups gnomAD compares: African/African-American, 0.0013%; no homozygotes.

Submission:

Labcorp Genetics (formerly Invitae), Labcorp
Classification: Uncertain significance for Osteogenesis imperfecta type I. Last evaluated: 2021-04-06. Review status: criteria provided, single submitter. Criteria: Invitae Variant Classification Sherloc (09022015). Collection method: clinical testing. Allele origin: germline.
Comment: In summary, the available evidence is currently insufficient to determine the role of this variant in disease. Therefore, it has been classified as a Variant of Uncertain Significance. Advanced modeling of protein sequence and biophysical properties (such as structural, functional, and spatial information, amino acid conservation, physicochemical variation, residue mobility, and thermodynamic stability) performed at Invitae indicates that this missense variant is not expected to disrupt COL1A1 protein function. This variant has not been reported in the literature in individuals with COL1A1-related conditions. This variant is present in population databases (rs762653813, ExAC 0.002%). This sequence change replaces alanine with aspartic acid at codon 331 of the COL1A1 protein (p.Ala331Asp). The alanine residue is highly conserved and there is a moderate physicochemical difference between alanine and aspartic acid.